The following is an entry in ClinVar:

NM_001440.4(EXTL3):c.25A>G (p.Asn9Asp)

Gene: EXTL3 (exostosin like glycosyltransferase 3; plus strand). Cytogenetic location: 8p21.1.
Variant type: single nucleotide variant.
Coding change: c.25A>G on transcript NM_001440.4 (MANE Select); coding-DNA position 25, A replaced by G.
Protein change: p.Asn9Asp; replaces asparagine 9 with aspartic acid.
Molecular consequence: missense variant.
Genome position (GRCh38, 1-based): chr8:28,716,084, A>G. VCF-style: chr8-28716084-A-G. GRCh37 (hg19) VCF-style: chr8-28573601-A-G.
Other names: short protein forms N9D.
Identifiers: ClinVar variation 1408751 (VCV001408751.5), dbSNP rs1312963540, ClinGen allele CA370852845.
Genomic context (GRCh38, chr8:28,716,084, plus strand): 5'-CCCGACGTGATCTGGGGGGCAGGCTGCAGAGGACTCATGACAGGCTATACCATGCTGCGG[A>G]ATGGGGGCGCGGGGAACGGAGGTCAGACCTGCATGCTGCGCTGGTCCAACCGCATCCGCC-3'
Protein context (NP_001431.1, residues 1-19): MTGYTMLR[Asn9Asp]GGAGNGGQTC

ClinVar aggregate classification (germline): Uncertain significance (1 of 4 stars; one submission).

Allele frequency attached by ClinVar (database versions not stated): gnomAD exomes below 0.00001.
gnomAD v4.1: 1 of 1,610,254 alleles (0.000062%); highest among the groups gnomAD compares: Admixed American, 0.0017%; no homozygotes.

Submission:

Labcorp Genetics (formerly Invitae), Labcorp
Classification: Uncertain significance. Last evaluated: 2022-05-19. Review status: criteria provided, single submitter. Criteria: Invitae Variant Classification Sherloc (09022015). Collection method: clinical testing. Allele origin: germline.
Comment: In summary, the available evidence is currently insufficient to determine the role of this variant in disease. Therefore, it has been classified as a Variant of Uncertain Significance. Algorithms developed to predict the effect of missense changes on protein structure and function (SIFT, PolyPhen-2, Align-GVGD) all suggest that this variant is likely to be tolerated. This variant has not been reported in the literature in individuals affected with EXTL3-related conditions. This variant is present in population databases (no rsID available, gnomAD 0.003%). This sequence change replaces asparagine, which is neutral and polar, with aspartic acid, which is acidic and polar, at codon 9 of the EXTL3 protein (p.Asn9Asp).